The following is an entry in ClinVar:

NM_003136.4(SRP54):c.1048-4G>T

Gene: SRP54 (signal recognition particle 54; plus strand). Cytogenetic location: 14q13.2.
Variant type: single nucleotide variant.
Coding change: c.1048-4G>T on transcript NM_003136.4 (MANE Select); 4 bases into the intron before coding-DNA position 1048, G replaced by T.
Molecular consequence: intron variant.
Genome position (GRCh38, 1-based): chr14:35,018,962, G>T. VCF-style: chr14-35018962-G-T. GRCh37 (hg19) VCF-style: chr14-35488168-G-T.
Other names: c.1048-4G>T (NM_003136.3); c.901-4G>T (NM_001146282.2).
Identifiers: ClinVar variation 1671650 (VCV001671650.11), dbSNP rs766569026, ClinGen allele CA7153775.

ClinVar aggregate classification (germline): Likely benign. Review status: criteria provided, multiple submitters, no conflicts (2 of 4 stars). 3 submissions from 3 submitters: Likely benign (2). 1 of the submissions does not count toward it. Last evaluated 2025-10-11.

Conditions:
SRP54-related disorder. Also called: SRP54-related condition.

Allele frequency attached by ClinVar (database versions not stated): TOPMed below 0.00001; gnomAD exomes 0.00002; ExAC 0.00003.
gnomAD v4.1: 12 of 1,611,890 alleles (0.00074%); highest among the groups gnomAD compares: Non-Finnish European, 0.001%; no homozygotes.

Submissions (3):

Labcorp Genetics (formerly Invitae), Labcorp
Classification: Likely benign. Last evaluated: 2025-10-11. Review status: criteria provided, single submitter. Criteria: Invitae Variant Classification Sherloc (09022015). Collection method: clinical testing. Allele origin: germline.

Blueprint Genetics
Classification: Likely benign. Last evaluated: 2024-02-02. Review status: criteria provided, single submitter. Criteria: ACMG Guidelines, 2015. Collection method: clinical testing. Allele origin: germline.

PreventionGenetics, part of Exact Sciences
Classification: Likely benign for SRP54-related condition. Last evaluated: 2021-03-17. Review status: no assertion criteria provided. Collection method: clinical testing. Allele origin: germline. Not counted in ClinVar's aggregate classification.
Comment: This variant is classified as likely benign based on ACMG/AMP sequence variant interpretation guidelines (Richards et al. 2015 PMID: 25741868, with internal and published modifications).